The following is an entry in ClinVar:

NM_000497.4(CYP11B1):c.852_853inv (p.Gln285Ter)

Genes: CYP11B1 (cytochrome P450 family 11 subfamily B member 1; minus strand), LOC106799833 (CYP11B1 recombination region; plus strand). Cytogenetic location: 8q24.3.
Variant type: Inversion.
Coding change: c.852_853inv on transcript NM_000497.4 (MANE Select).
Protein change: p.Gln285Ter; replaces glutamine 285 with a stop codon.
Molecular consequence: nonsense.
Genome position: GRCh38 VCF-style: chr8-142876342-GT-AC. GRCh37 (hg19) VCF-style: chr8-143957758-GT-AC.
Other names: c.852_853inv, p.Gln285Ter (NM_001026213.1); short protein forms Q285*.
Identifiers: ClinVar variation 2029348 (VCV002029348.4), ClinGen allele CA2580078656.

ClinVar aggregate classification (germline): Pathogenic (1 of 4 stars; one submission).

Submission:

Labcorp Genetics (formerly Invitae), Labcorp
Classification: Pathogenic. Last evaluated: 2022-09-13. Review status: criteria provided, single submitter. Criteria: Invitae Variant Classification Sherloc (09022015). Collection method: clinical testing. Allele origin: germline.
Comment: This sequence change creates a premature translational stop signal (p.Gln285*) in the CYP11B1 gene. It is expected to result in an absent or disrupted protein product. Loss-of-function variants in CYP11B1 are known to be pathogenic (PMID: 8506298, 26476331). Information on the frequency of this variant in the gnomAD database is not available, as this variant may be reported differently in the database. This variant has not been reported in the literature in individuals affected with CYP11B1-related conditions. For these reasons, this variant has been classified as Pathogenic.

Literature cited by the submitters: PubMed 8506298; PubMed 26476331.